The following is an entry in ClinVar:

NM_007325.5(GRIA3):c.232T>A (p.Leu78Met)

Gene: GRIA3 (glutamate ionotropic receptor AMPA type subunit 3; plus strand). Cytogenetic location: Xq25.
Variant type: single nucleotide variant.
Coding change: c.232T>A on transcript NM_007325.5 (MANE Select); coding-DNA position 232, T replaced by A.
Protein change: p.Leu78Met; replaces leucine 78 with methionine.
Molecular consequence: missense variant.
Genome position (GRCh38, 1-based): chrX:123,185,954, T>A. VCF-style: chrX-123185954-T-A. GRCh37 (hg19) VCF-style: chrX-122319806-T-A.
Other names: c.232T>A, p.Leu78Met (NM_000828.5, NM_001256743.2); short protein forms L78M.
Identifiers: ClinVar variation 2661344 (VCV002661344.24), dbSNP rs1927261779, ClinGen allele CA414255347.

ClinVar aggregate classification (germline): Uncertain significance (1 of 4 stars; one submission).

Submission:

CeGaT Center for Human Genetics Tuebingen
Classification: Uncertain significance. Last evaluated: 2023-01-01. Review status: criteria provided, single submitter. Criteria: CeGaT Center For Human Genetics Tuebingen Variant Classification Criteria Version 2. Collection method: clinical testing. Allele origin: germline. Affected: yes. Observed: 1 variant allele.
Comment: GRIA3: PM2, PP3